The following is an entry in ClinVar:

ClinVar aggregate classification (germline): Uncertain significance (1 of 4 stars; one submission).

Conditions:
Fanconi anemia complementation group A (FANCA). Also called: FANCA-Related Fanconi Anemia; Fanconi anemia, group A. Identifiers: Orphanet 84, MedGen C3469521, MONDO:0009215, OMIM 227650.

Submission:

Illumina Laboratory Services, Illumina
Classification: Uncertain significance for Fanconi anemia complementation group A. Last evaluated: 2017-09-20. Review status: criteria provided, single submitter. Criteria: ICSL Variant Classification Criteria 13 December 2019. Collection method: clinical testing. Allele origin: germline.
Comment: This variant was observed as part of a predisposition screen in an ostensibly healthy population. A literature search was performed for the gene, cDNA change, and amino acid change (where applicable). Publications were found based on this search. However, the evidence from the literature, in combination with allele frequency data from public databases where available, was not sufficient to rule this variant in or out of causing disease. Therefore, this variant is classified as a variant of unknown significance.

Literature cited by the submitters: PubMed 2339692.

NM_000135.4(FANCA):c.2880T>A (p.His960Gln)

Gene: FANCA (FA complementation group A; minus strand). Cytogenetic location: 16q24.3.
Variant type: single nucleotide variant.
Coding change: c.2880T>A on transcript NM_000135.4 (MANE Select); coding-DNA position 2880, T replaced by A.
Protein change: p.His960Gln; replaces histidine 960 with glutamine.
Molecular consequence: missense variant.
Genome position (GRCh38, 1-based): chr16:89,758,678, A>T on the plus strand (T>A on the coding strand, the complement: FANCA is on the minus strand). VCF-style: chr16-89758678-A-T. GRCh37 (hg19) VCF-style: chr16-89825086-A-T.
Other names: c.2880T>A, p.His960Gln (NM_001286167.3); short protein forms H960Q.
Identifiers: ClinVar variation 887561 (VCV000887561.4), dbSNP rs2038843708, ClinGen allele CA397431482.
Genomic context (GRCh38, chr16:89,758,678, plus strand): 5'-CGCAGCCTGCAGGTCTCCGTCACAGCCCCCTGAAGCCGAGGACTCAGGGAGAAAGTGCTC[A>T]TGGATCGCCCACTGGTGGAAGTCCTGCCTAGAACAGCAAACACTGCTATCAATTCTGAGA-3'
Protein context (NP_000126.2, residues 950-970): ERQDFHQWAI[His960Gln]EHFLPESSAS